The following is an entry in ClinVar:

NM_000179.3(MSH6):c.4081dup (p.Ter1361LeuextTer?)

Gene: MSH6 (mutS homolog 6; plus strand). Cytogenetic location: 2p16.3.
Variant type: Duplication.
Coding change: c.4081dup on transcript NM_000179.3 (MANE Select); coding-DNA position 4081, one base duplicated (T; older notation c.4081dupT).
Protein change: p.Ter1361LeuextTer?.
Molecular consequence: frameshift variant, stop lost.
Genome position (GRCh38, 1-based): chr2:47,806,858, T duplicated. VCF-style (leftmost placement, unchanged base first): chr2-47806857-A-AT. GRCh37 (hg19) VCF-style: chr2-48033996-A-AT.
Other names: c.3691dup, p.Ter1231LeuextTer? (NM_001281492.2); c.3175dup, p.Ter1059LeuextTer? (NM_001281493.2, NM_001281494.2); c.4081dupT (NM_000179.2).
Identifiers: ClinVar variation 410431 (VCV000410431.16), dbSNP rs1060502898, ClinGen allele CA16610990.
Genomic context (GRCh38, chr2:47,806,857, plus strand): 5'-TGAAAGGTCAACTGTAGATGCTGAAGCTGTCCATAAATTGCTGACTTTGATTAAGGAATT[A>AT]TAGACTGACTACATTGGAAGCTTTGAGTTGACTTCTGACAAAGGTGGTAAATTCAGACAA-3'

ClinVar aggregate classification (germline): Uncertain significance. Review status: criteria provided, multiple submitters, no conflicts (2 of 4 stars). 5 submissions from 5 submitters: Uncertain significance (5). Last evaluated 2025-12-20.

Conditions:
Hereditary cancer-predisposing syndrome. Also called: Tumor predisposition; Hereditary Cancer Syndrome; Hereditary neoplastic syndrome; Neoplastic Syndromes, Hereditary. Identifiers: Orphanet 140162, MedGen C0027672, MeSH D009386, MONDO:0015356.
Lynch syndrome. Identifiers: Orphanet 144, MedGen C4552100, MONDO:0005835. Disease mechanism: loss of function.
Hereditary nonpolyposis colorectal neoplasms. Identifiers: MedGen C0009405, MeSH D003123.

Submissions (5):

Labcorp Genetics (formerly Invitae), Labcorp
Classification: Uncertain significance for Hereditary nonpolyposis colorectal neoplasms. Last evaluated: 2025-12-20. Review status: criteria provided, single submitter. Criteria: Invitae Variant Classification Sherloc (09022015). Collection method: clinical testing. Allele origin: germline.
Comment: This sequence change disrupts the translational stop signal of the MSH6 mRNA. It is expected to extend the length of the MSH6 protein by 2 additional amino acid residues. This variant is not present in population databases (gnomAD no frequency). This variant has not been reported in the literature in individuals affected with MSH6-related conditions. ClinVar contains an entry for this variant (Variation ID: 410431). Experimental studies and prediction algorithms are not available or were not evaluated, and the functional significance of this variant is currently unknown. In summary, the available evidence is currently insufficient to determine the role of this variant in disease. Therefore, it has been classified as a Variant of Uncertain Significance.

Ambry Genetics
Classification: Uncertain significance for Hereditary cancer-predisposing syndrome. Last evaluated: 2024-10-10. Review status: criteria provided, single submitter. Criteria: Ambry Variant Classification Scheme 2023. Collection method: clinical testing. Allele origin: germline.
Comment: The c.4081dupT variant, located in coding exon 10 of the MSH6 gene, results from a duplication of T at nucleotide position 4081, causing a translational frameshift with a predicted alternate stop codon (p.*1361LEXT*2). This alteration disrupts the stop codon of the MSH6 gene and is predicted to preserve the native sequence while resulting in the elongation of the protein by 2 amino acids. The exact functional effect of the additional amino acids is unknown. Since supporting evidence is limited at this time, the clinical significance of this alteration remains unclear.

All of Us Research Program, National Institutes of Health
Classification: Uncertain significance for Lynch syndrome. Last evaluated: 2024-07-20. Review status: criteria provided, single submitter. Criteria: ACMG Guidelines, 2015. Collection method: clinical testing. Allele origin: germline. Inheritance: Autosomal dominant inheritance. Observed: 1 variant allele, 1 heterozygote.
Comment: This variant inserts 1 nucleotide in exon 10 of the MSH6 gene, creating a frameshift in the last exon and disrupting the translational stop signal. This results in a protein product that is two amino acids longer than the normal protein product. To our knowledge, this variant has not been reported in individuals affected with MSH6-related disorders in the literature. This variant has not been identified in the general population by the Genome Aggregation Database (gnomAD). Loss of MSH6 function is a known mechanism of disease. The available evidence is insufficient to determine the role of this variant in disease conclusively. Therefore, this variant is classified as a Variant of Uncertain Significance.

This study involves interpretation of variants in research participants for the purpose of population health screening. Participant phenotype was not available at the time of variant classification. Additional details can be found in publication PMID: 35346344, PMCID: PMC8962531

Color Diagnostics, LLC DBA Color Health
Classification: Uncertain significance for Hereditary cancer-predisposing syndrome. Last evaluated: 2024-07-11. Review status: criteria provided, single submitter. Criteria: ACMG Guidelines, 2015. Collection method: clinical testing. Allele origin: germline.
Comment: This variant inserts 1 nucleotide in exon 10 of the MSH6 gene, creating a frameshift in the last exon and disrupting the translational stop signal. This results in a protein product that is two amino acids longer than the normal protein product. To our knowledge, this variant has not been reported in individuals affected with MSH6-related disorders in the literature. This variant has not been identified in the general population by the Genome Aggregation Database (gnomAD). Loss of MSH6 function is a known mechanism of disease. The available evidence is insufficient to determine the role of this variant in disease conclusively. Therefore, this variant is classified as a Variant of Uncertain Significance.

Women's Health and Genetics/Laboratory Corporation of America, LabCorp
Classification: Uncertain significance. Last evaluated: 2019-06-17. Review status: criteria provided, single submitter. Criteria: LabCorp Variant Classification Summary - May 2015. Collection method: clinical testing. Allele origin: germline.
Comment: Variant summary: MSH6 c.4081dupT (p.Ter1361LeufsX3) causes a frameshift which results in an extension of the MSH6 protein by two additional amino acid residues (Leucine and Asparatic acid) before the new stop codon. The variant was absent in 251046 control chromosomes. The available data on variant occurrences in the general population are insufficient to allow any conclusion about variant significance. To our knowledge, no occurrence of c.4081dupT in individuals affected with Lynch Syndrome and no experimental evidence demonstrating its impact on protein function have been reported. One clinical diagnostic laboratory has submitted clinical-significance assessments for this variant to ClinVar after 2014 without evidence for independent evaluation and classified the variant as uncertain significance. Based on the evidence outlined above, the variant was classified as uncertain significance.